The following is an entry in ClinVar:

NM_004380.3(CREBBP):c.3622C>G (p.Pro1208Ala)

Gene: CREBBP (CREB binding lysine acetyltransferase; minus strand). Cytogenetic location: 16p13.3.
Variant type: single nucleotide variant.
Coding change: c.3622C>G on transcript NM_004380.3 (MANE Select); coding-DNA position 3622, C replaced by G.
Protein change: p.Pro1208Ala; replaces proline 1208 with alanine.
Molecular consequence: missense variant.
Genome position (GRCh38, 1-based): chr16:3,757,364, G>C on the plus strand (C>G on the coding strand, the complement: CREBBP is on the minus strand). VCF-style: chr16-3757364-G-C. GRCh37 (hg19) VCF-style: chr16-3807365-G-C.
Other names: c.3508C>G, p.Pro1170Ala (NM_001079846.1); short protein forms P1170A, P1208A.
Identifiers: ClinVar variation 3053553 (VCV003053553.2), dbSNP rs1029052355, ClinGen allele CA276997477.

ClinVar aggregate classification (germline): Uncertain significance (0 of 4 stars; one submission).

Conditions:
CREBBP-related disorder. Also called: CREBBP-related disorders; CREBBP-related condition.

Allele frequency attached by ClinVar (database versions not stated): gnomAD exomes below 0.00001; TOPMed 0.00001.
gnomAD v4.1: 3 of 1,613,396 alleles (0.00019%); highest among the groups gnomAD compares: Non-Finnish European, 0.00025%; no homozygotes.

Submission:

PreventionGenetics, part of Exact Sciences
Classification: Uncertain significance for CREBBP-related condition. Last evaluated: 2024-01-16. Review status: no assertion criteria provided. Collection method: clinical testing. Allele origin: germline.
Comment: The CREBBP c.3622C>G variant is predicted to result in the amino acid substitution p.Pro1208Ala. To our knowledge, this variant has not been reported in the literature or in a large population database, indicating this variant is rare. At this time, the clinical significance of this variant is uncertain due to the absence of conclusive functional and genetic evidence.